The following is an entry in ClinVar:

NM_005475.3(SH2B3):c.604C>T (p.Arg202Cys)

Gene: SH2B3 (SH2B adaptor protein 3; plus strand). Cytogenetic location: 12q24.12.
Variant type: single nucleotide variant.
Coding change: c.604C>T on transcript NM_005475.3 (MANE Select); coding-DNA position 604, C replaced by T.
Protein change: p.Arg202Cys; replaces arginine 202 with cysteine.
Molecular consequence: missense variant.
Genome position (GRCh38, 1-based): chr12:111,418,749, C>T. VCF-style: chr12-111418749-C-T. GRCh37 (hg19) VCF-style: chr12-111856553-C-T.
Other names: short protein forms R202C.
Identifiers: ClinVar variation 3953498 (VCV003953498.1).

ClinVar aggregate classification (germline): Uncertain significance (1 of 4 stars; one submission).

Conditions:
Inborn genetic diseases. Identifiers: MedGen C0950123, MeSH D030342.

Submission:

Ambry Genetics
Classification: Uncertain significance for Inborn genetic diseases. Last evaluated: 2025-05-15. Review status: criteria provided, single submitter. Criteria: Ambry Variant Classification Scheme 2023. Collection method: clinical testing. Allele origin: germline.
Comment: The p.R202C variant (also known as c.604C>T), located in coding exon 1 of the SH2B3 gene, results from a C to T substitution at nucleotide position 604. The arginine at codon 202 is replaced by cysteine, an amino acid with highly dissimilar properties. This amino acid position is conserved. In addition, this alteration is predicted to be tolerated by in silico analysis. Based on the available evidence, the clinical significance of this variant remains unclear.